The following is an entry in ClinVar:

NM_006767.4(LZTR1):c.2209G>A (p.Glu737Lys)

Gene: LZTR1 (leucine zipper like post translational regulator 1; plus strand). Cytogenetic location: 22q11.21.
Variant type: single nucleotide variant.
Coding change: c.2209G>A on transcript NM_006767.4 (MANE Select); coding-DNA position 2209, G replaced by A.
Protein change: p.Glu737Lys; replaces glutamic acid 737 with lysine.
Molecular consequence: missense variant.
Genome position (GRCh38, 1-based): chr22:20,996,102, G>A. VCF-style: chr22-20996102-G-A. GRCh37 (hg19) VCF-style: chr22-21350391-G-A.
Other names: short protein forms E737K.
Identifiers: ClinVar variation 1787731 (VCV001787731.3), dbSNP rs2518624752, ClinGen allele CA410780037.

ClinVar aggregate classification (germline): Uncertain significance (1 of 4 stars; one submission).

Conditions:
Hereditary cancer-predisposing syndrome. Also called: Neoplastic Syndromes, Hereditary; Tumor predisposition; Hereditary Cancer Syndrome; Hereditary neoplastic syndrome. Identifiers: Orphanet 140162, MedGen C0027672, MeSH D009386, MONDO:0015356.
Cardiovascular phenotype. Identifiers: MedGen CN230736.

Allele frequency attached by ClinVar (database versions not stated): gnomAD exomes below 0.00001.
gnomAD v4.1: 1 of 1,612,380 alleles (0.000062%); highest among the groups gnomAD compares: Non-Finnish European, 0.000085%; no homozygotes.

Submission:

Ambry Genetics
Classification: Uncertain significance for Cardiovascular phenotype; Hereditary cancer-predisposing syndrome. Last evaluated: 2024-12-16. Review status: criteria provided, single submitter. Criteria: Ambry Variant Classification Scheme 2023. Collection method: clinical testing. Allele origin: germline.
Comment: The p.E737K variant (also known as c.2209G>A), located in coding exon 18 of the LZTR1 gene, results from a G to A substitution at nucleotide position 2209. The glutamic acid at codon 737 is replaced by lysine, an amino acid with similar properties. This amino acid position is highly conserved in available vertebrate species. In addition, the in silico prediction for this alteration is inconclusive. Based on the available evidence, the clinical significance of this variant remains unclear.